The following is an entry in ClinVar:

ClinVar aggregate classification (germline): Uncertain significance (1 of 4 stars; one submission).

Submission:

GeneDx
Classification: Uncertain significance. Last evaluated: 2024-07-11. Review status: criteria provided, single submitter. Criteria: GeneDx Variant Classification Process June 2021. Collection method: clinical testing. Allele origin: germline. Affected: yes.
Comment: In silico analysis supports that this missense variant has a deleterious effect on protein structure/function; Has not been previously published as pathogenic or benign to our knowledge

NM_001170535.3(ATAD3A):c.344G>C (p.Arg115Thr)

Gene: ATAD3A (ATPase family AAA domain containing 3A; plus strand). Cytogenetic location: 1p36.33.
Variant type: single nucleotide variant.
Coding change: c.344G>C on transcript NM_001170535.3 (MANE Select); coding-DNA position 344, G replaced by C.
Protein change: p.Arg115Thr; replaces arginine 115 with threonine.
Molecular consequence: missense variant.
Genome position (GRCh38, 1-based): chr1:1,517,372, G>C. VCF-style: chr1-1517372-G-C. GRCh37 (hg19) VCF-style: chr1-1452752-G-C.
Other names: c.107G>C, p.Arg36Thr (NM_001170536.3); c.488G>C, p.Arg163Thr (NM_018188.5); short protein forms R163T, R36T, R115T.
Identifiers: ClinVar variation 3572760 (VCV003572760.1).
Genomic context (GRCh38, chr1:1,517,372, plus strand): 5'-AGTATGAGGCCGCCGTGGAGCAGCTCAAGAGCGAGCAGATCCGGGCGCAGGCTGAGGAGA[G>C]GAGGAAGACCCTGAGCGAGGAGACCCGGCAGCACCAGGCCGTAAGAGCGCAAGAGGCCGC-3'
Protein context (NP_001164006.1, residues 105-125): SEQIRAQAEE[Arg115Thr]RKTLSEETRQ